The following is an entry in ClinVar:

NM_001184880.2(PCDH19):c.1657_2616+3340del

Genes: PCDH19 (protocadherin 19; minus strand), LOC125467768 (CDK7 strongly-dependent group 2 enhancer GRCh37_chrX:99657381-99658580; plus strand). Cytogenetic location: Xq22.1.
Variant type: Deletion.
Coding change: c.1657_2616+3340del on transcript NM_001184880.2 (MANE Select); coding-DNA position 1657 through 3340 bases into the intron after coding-DNA position 2616, 7,758 bases deleted.
Molecular consequence: splice acceptor variant, splice donor variant.
Genome position (GRCh38, 1-based): chrX:100,399,184-100,406,941, 7,758 bases deleted. GRCh37 (hg19): chrX:99,654,184-99,661,941.
Other names: c.1657_2475+3340del (NM_020766.3, NM_001105243.2).
Identifiers: ClinVar variation 565718 (VCV000565718.1), ClinGen allele CA891843591.

ClinVar aggregate classification (germline): Pathogenic (1 of 4 stars; one submission).

Conditions:
Developmental and epileptic encephalopathy, 9 (DEE9). Also called: Early infantile epileptic encephalopathy 9; EPILEPSY, FEMALE-RESTRICTED, WITH MENTAL RETARDATION; PCDH19-Related X-Linked Female-Limited Epilepsy with Mental Retardation; JUBERG-HELLMAN SYNDROME. Identifiers: Orphanet 101039, Orphanet 2076, MedGen C1848137, MONDO:0010246, OMIM 300088. Disease mechanism: loss of function.

Submission:

Labcorp Genetics (formerly Invitae), Labcorp
Classification: Pathogenic for Early infantile epileptic encephalopathy 9. Last evaluated: 2018-03-26. Review status: criteria provided, single submitter. Criteria: Invitae Variant Classification Sherloc (09022015). Collection method: clinical testing. Allele origin: germline.
Comment: This variant removes the last 491 nucleotides of exon 1, exons 2-3, and affects the consensus splice site of intron 3 of the PCDH19 gene (c.1657_2616+3340del). This change is expected to create a premature translational stop signal and result in an absent or disrupted protein product. This variant has not been reported in the literature in individuals with PCDH19-related disease. A different deletion of exons 1-3 has been reported in an individual affected with epilepsy and intellectual disability (PMID: 21053371). Loss-of-function variants in PCDH19 are known to be pathogenic (PMID: 21053371). For these reasons, this variant has been classified as Pathogenic.

Literature cited by the submitters: PubMed 21053371.